The following continues an entry in ClinVar:

NM_014625.4(NPHS2):c.871C>T (p.Arg291Trp)

ClinVar aggregate classification (germline): Pathogenic/Likely pathogenic. Pathogenic (11); Likely pathogenic (2).

Submissions 13 to 17 of 17:

Neuberg Centre For Genomic Medicine, NCGM
Classification: Pathogenic for Nephrotic syndrome, type 2. Review status: criteria provided, single submitter. Criteria: ACMG Guidelines, 2015. Collection method: clinical testing. Allele origin: germline. Inheritance: Autosomal recessive inheritance. Affected: yes.
Comment: The missense c.871C>Tp.Arg291Trp variant in NPHS2 gene has been reported in compound heterozygous state in multiple individuals affected with nephrotic syndrome Büscher AK, et. al.,2016; Mikó Á, et. al., 2018. Experimental studies have shown that this variant alters NPHS2 podocin protein function, resulting in podocin mislocalization when in combination with p.Arg229Gln-podocin Stráner P, et. al., 2018. The p.Arg291Trp variant has been reported with allele frequency of 0.002% in gnomAD Exomes and is novel not in any individuals in 1000 Genomes database. This variant has been reported to the ClinVar database as Likely pathogenic/ Pathogenic multiple submissions. The amino acid Arg at position 291 is changed to a Trp changing protein sequence and it might alter its composition and physico-chemical properties. The amino acid change p.Arg291Trp in NPHS2 is predicted as conserved by GERP++ and PhyloP across 100 vertebrates. For these reasons, this variant has been classified as Pathogenic.

Gharavi Laboratory, Columbia University
Classification: Pathogenic. Last evaluated: 2018-09-16. Review status: no assertion criteria provided. Criteria: ACMG Guidelines, 2015. Collection method: research. Allele origin: germline. Affected: yes. Not counted in ClinVar's aggregate classification.

Bioscientia Institut fuer Medizinische Diagnostik GmbH, Sonic Healthcare
Classification: Pathogenic for Nephrotic syndrome, type 2. Last evaluated: 2018-06-04. Review status: no assertion criteria provided. Collection method: clinical testing. Allele origin: germline. Affected: yes. Not counted in ClinVar's aggregate classification.

Counsyl
Classification: Likely pathogenic for Nephrotic syndrome, idiopathic, steroid-resistant. Last evaluated: 2014-05-05. Review status: no assertion criteria provided. Collection method: literature only. Allele origin: unknown. Inheritance: Autosomal recessive inheritance. Not counted in ClinVar's aggregate classification.

OMIM
Classification: Pathogenic for NEPHROTIC SYNDROME, TYPE 2. Last evaluated: 2000-04-01. Review status: no assertion criteria provided. Collection method: literature only. Allele origin: germline. Not counted in ClinVar's aggregate classification.

Literature cited by the submitters: PubMed 10742096 (cited by 4 submitters); PubMed 14675423 (cited by 4 submitters); PubMed 24509478 (cited by 4 submitters); PubMed 31027891 (cited by 3 submitters); PubMed 31308032 (cited by Mayo Clinic Laboratories, Mayo Clinic and Labcorp Genetics (formerly Invitae), Labcorp); PubMed 33193607 (cited by Mayo Clinic Laboratories, Mayo Clinic and Molecular Genetics, Royal Melbourne Hospital); PubMed 35372954 (cited by Mayo Clinic Laboratories, Mayo Clinic); PubMed 14978175 (cited by Natera, Inc. and Counsyl); PubMed 11805166 (cited by 3 submitters); PubMed 12464671 (cited by 3 submitters); PubMed 28476686 (cited by Labcorp Genetics (formerly Invitae), Labcorp); PubMed 15327385 (cited by 4 submitters); PubMed 18823551 (cited by Labcorp Genetics (formerly Invitae), Labcorp); PubMed 29660491 (cited by Labcorp Genetics (formerly Invitae), Labcorp); PubMed 15496146 (cited by 3 submitters); PubMed 28117080 (cited by Molecular Genetics, Royal Melbourne Hospital); PubMed 36167728 (cited by Molecular Genetics, Royal Melbourne Hospital and Ambry Genetics); PubMed 25349199 (cited by Women's Health and Genetics/Laboratory Corporation of America, LabCorp); PubMed 30260545 (cited by Women's Health and Genetics/Laboratory Corporation of America, LabCorp); PubMed 26668027 (cited by Women's Health and Genetics/Laboratory Corporation of America, LabCorp); PubMed 15769810 (cited by Counsyl); PubMed 15817495 (cited by Counsyl); PubMed 8589695 (cited by OMIM).